The following is an entry in ClinVar:

NM_006180.6(NTRK2):c.25G>A (p.Gly9Arg)

Gene: NTRK2 (neurotrophic receptor tyrosine kinase 2; plus strand). Cytogenetic location: 9q21.33.
Variant type: single nucleotide variant.
Coding change: c.25G>A on transcript NM_006180.6 (MANE Select); coding-DNA position 25, G replaced by A.
Protein change: p.Gly9Arg; replaces glycine 9 with arginine.
Molecular consequence: missense variant.
Genome position (GRCh38, 1-based): chr9:84,670,773, G>A. VCF-style: chr9-84670773-G-A. GRCh37 (hg19) VCF-style: chr9-87285688-G-A.
Other names: c.25G>A, p.Gly9Arg (NM_001007097.3, NM_001018064.3, NM_001018065.2 and 18 more transcripts); c.25G>A (NM_006180.3, NM_006180.4); short protein forms G9R.
Identifiers: ClinVar variation 1341751 (VCV001341751.11), dbSNP rs1373336521, ClinGen allele CA374004573.

ClinVar aggregate classification (germline): Conflicting classifications of pathogenicity. Review status: criteria provided, conflicting classifications (1 of 4 stars). 6 submissions from 6 submitters: Uncertain significance (5); Likely benign (1). Last evaluated 2026-04-28.

Conditions:
Developmental and epileptic encephalopathy, 58. Also called: EPILEPTIC ENCEPHALOPATHY, EARLY INFANTILE, 58. Identifiers: MedGen C4693367, MONDO:0033367, OMIM 617830.
Obesity, hyperphagia, and developmental delay (OBHD). Identifiers: Orphanet 99704, MedGen C3151303, MONDO:0013483, OMIM 613886.
NTRK2-related disorder. Also called: NTRK2-related condition.
Inborn genetic diseases. Identifiers: MedGen C0950123, MeSH D030342.

Allele frequency attached by ClinVar (database versions not stated): gnomAD 0.00004 and 0.00003; TOPMed 0.00010; gnomAD exomes below 0.00001.
gnomAD v4.1: 12 of 1,613,598 alleles (0.00074%); highest among the groups gnomAD compares: Middle Eastern, 0.017%; no homozygotes.

Submissions (6):

PreventionGenetics, part of Exact Sciences
Classification: Uncertain significance for NTRK2-related condition. Last evaluated: 2026-04-28. Review status: criteria provided, single submitter. Criteria: ACMG Guidelines, 2015. Collection method: clinical testing. Allele origin: germline.
Comment: The NTRK2 c.25G>A variant is predicted to result in the amino acid substitution p.Gly9Arg. To our knowledge, this variant has not been reported in the literature or in a large population database, indicating this variant is rare. At this time, the clinical significance of this variant is uncertain due to the absence of conclusive functional and genetic evidence.

Ambry Genetics
Classification: Uncertain significance for Inborn genetic diseases. Last evaluated: 2025-09-09. Review status: criteria provided, single submitter. Criteria: Ambry Variant Classification Scheme 2023. Collection method: clinical testing. Allele origin: germline.

Labcorp Genetics (formerly Invitae), Labcorp
Classification: Likely benign. Last evaluated: 2025-01-20. Review status: criteria provided, single submitter. Criteria: Invitae Variant Classification Sherloc (09022015). Collection method: clinical testing. Allele origin: germline.

Department of Pathology and Laboratory Medicine, Sinai Health System
Classification: Uncertain significance for Obesity, hyperphagia, and developmental delay; Developmental and epileptic encephalopathy, 58. Last evaluated: 2021-07-30. Review status: criteria provided, single submitter. Criteria: ACMG Guidelines, 2015. Collection method: research. Allele origin: germline.

New York Genome Center
Classification: Uncertain significance for Developmental and epileptic encephalopathy, 58. Last evaluated: 2021-01-15. Review status: criteria provided, single submitter. Criteria: NYGC Assertion Criteria 2020. Collection method: clinical testing. Allele origin: germline. Observed: 1 heterozygote. Study: CSER-NYCKidSeq.

Blueprint Genetics
Classification: Uncertain significance. Last evaluated: 2019-05-17. Review status: criteria provided, single submitter. Criteria: ACMG Guidelines, 2015. Collection method: clinical testing. Allele origin: germline.